The following is an entry in ClinVar:

NM_182961.4(SYNE1):c.12514G>T (p.Val4172Phe)

Gene: SYNE1 (spectrin repeat containing nuclear envelope protein 1; minus strand). Cytogenetic location: 6q25.2.
Variant type: single nucleotide variant.
Coding change: c.12514G>T on transcript NM_182961.4 (MANE Select); coding-DNA position 12514, G replaced by T.
Protein change: p.Val4172Phe; replaces valine 4172 with phenylalanine.
Molecular consequence: missense variant.
Genome position (GRCh38, 1-based): chr6:152,336,855, C>A on the plus strand (G>T on the coding strand, the complement: SYNE1 is on the minus strand). VCF-style: chr6-152336855-C-A. GRCh37 (hg19) VCF-style: chr6-152657990-C-A.
Other names: c.12301G>T, p.Val4101Phe (NM_033071.5); short protein forms V4101F, V4172F.
Identifiers: ClinVar variation 3754528 (VCV003754528.2).

ClinVar aggregate classification (germline): Uncertain significance (1 of 4 stars; one submission).

Conditions:
Emery-Dreifuss muscular dystrophy 4, autosomal dominant (EDMD4). Also called: EMERY-DREIFUSS MUSCULAR DYSTROPHY 4 WITH VARIABLE FEATURES. Identifiers: Orphanet 261, MedGen C2751807, MONDO:0013071, OMIM 612998.
Autosomal recessive ataxia, Beauce type. Also called: Spinocerebellar ataxia, autosomal recessive 8; ATAXIA, RECESSIVE, OF BEAUCE; SYNE1-Related Autosomal Recessive Cerebellar Ataxia; SYNE1 Deficiency. Identifiers: Orphanet 88644, MedGen C1853116, MONDO:0012549, OMIM 610743.

gnomAD v4.1: 8 of 1,613,518 alleles (0.0005%); highest among the groups gnomAD compares: East Asian, 0.016%; no homozygotes.

Submission:

Labcorp Genetics (formerly Invitae), Labcorp
Classification: Uncertain significance for Emery-Dreifuss muscular dystrophy 4, autosomal dominant; Autosomal recessive ataxia, Beauce type. Last evaluated: 2024-02-08. Review status: criteria provided, single submitter. Criteria: Invitae Variant Classification Sherloc (09022015). Collection method: clinical testing. Allele origin: germline.
Comment: This sequence change replaces valine, which is neutral and non-polar, with phenylalanine, which is neutral and non-polar, at codon 4101 of the SYNE1 protein (p.Val4101Phe). This variant is present in population databases (no rsID available, gnomAD 0.01%). This variant has not been reported in the literature in individuals affected with SYNE1-related conditions. An algorithm developed to predict the effect of missense changes on protein structure and function (PolyPhen-2) suggests that this variant is likely to be disruptive. In summary, the available evidence is currently insufficient to determine the role of this variant in disease. Therefore, it has been classified as a Variant of Uncertain Significance.